The following is an entry in ClinVar:

ClinVar aggregate classification (germline): Pathogenic/Likely pathogenic. Review status: criteria provided, multiple submitters, no conflicts (2 of 4 stars). 3 submissions from 3 submitters: Pathogenic (1); Likely pathogenic (2). Last evaluated 2023-11-27.

Conditions:
Inborn genetic diseases. Identifiers: MedGen C0950123, MeSH D030342.
Developmental and epileptic encephalopathy, 8 (DEE8). Also called: HYPEREKPLEXIA AND EPILEPSY. Identifiers: Orphanet 163985, Orphanet 2076, MedGen C1845102, MONDO:0010375, OMIM 300607.

Submissions (3):

Labcorp Genetics (formerly Invitae), Labcorp
Classification: Pathogenic for Developmental and epileptic encephalopathy, 8. Last evaluated: 2023-11-27. Review status: criteria provided, single submitter. Criteria: Invitae Variant Classification Sherloc (09022015). Collection method: clinical testing. Allele origin: germline.
Comment: This sequence change replaces arginine, which is basic and polar, with histidine, which is basic and polar, at codon 290 of the ARHGEF9 protein (p.Arg290His). This variant is not present in population databases (gnomAD no frequency). This missense change has been observed in individual(s) with clinical features of ARHGEF9-related conditions (PMID: 22612257, 28589176). In at least one individual the variant was observed to be de novo. ClinVar contains an entry for this variant (Variation ID: 1764342). Advanced modeling of protein sequence and biophysical properties (such as structural, functional, and spatial information, amino acid conservation, physicochemical variation, residue mobility, and thermodynamic stability) has been performed at Invitae for this missense variant, however the output from this modeling did not meet the statistical confidence thresholds required to predict the impact of this variant on ARHGEF9 protein function. Experimental studies have shown that this missense change affects ARHGEF9 function (PMID: 25678704, 30914922). This variant disrupts the p.Arg290 amino acid residue in ARHGEF9. Other variant(s) that disrupt this residue have been observed in individuals with ARHGEF9-related conditions (PMID: 29130122), which suggests that this may be a clinically significant amino acid residue. For these reasons, this variant has been classified as Pathogenic.

Division Of Personalized Genomic Medicine, Columbia University Irving Medical Center
Classification: Likely pathogenic for Developmental and epileptic encephalopathy, 8. Last evaluated: 2019-07-24. Review status: criteria provided, single submitter. Criteria: ACMG Guidelines, 2015. Collection method: clinical testing. Allele origin: maternal, unknown. Inheritance: X-linked inheritance. Affected: yes and no. Observed: 1 heterozygote, 2 hemizygotes. Clinical features observed: Epileptic encephalopathy (HP:0200134), Intellectual disability, progressive (HP:0006887), Unaffected (HP:0032321).
Comment: The c.890G>A variant in the ARHGEF9 gene is a hemizygous missense variant, which results in the substitution of the highly conserved arginine residue at position 297 to histidine (p.Arg297His). It is predicted to be deleterious and damaging to protein structure and/or function by PROVEAN and SIFT, respectively. This variant has not been observed in the Genome Aggregation Database (gnomAD), indicating it is not a common benign variant in the populations represented in this database. Although the patient had two adult brothers with a similar phenotype, segregation analysis was not performed to determine whether they carried the same variant. In addition, a different amino acid change at the same position (p.Arg290Cys) has been reported in four male siblings with epileptic encephalopathy and intellectual disability (PMID: 29130122). In functional studies, the p.Arg297His variant was found to affect inhibitory synapse formation by altering the strength intramolecular interactions between the diffuse B-cell lymphoma homology domain (DH) and the pleckstrin homology domain (PH) of collybistin, the enzyme encoded by ARHGEF9. This defect reduced the phosphatidylinositol 3-phosphate (PIP3P) binding affinity of collybistin, limiting its normal synaptogenic activity (PMID: 25678704). Given this evidence, this variant is classified as a likely pathogenic variant.

Ambry Genetics
Classification: Likely pathogenic for Inborn genetic diseases. Last evaluated: 2018-03-07. Review status: criteria provided, single submitter. Criteria: Ambry Variant Classification Scheme 2023. Collection method: clinical testing. Allele origin: germline.
Comment: The p.R290H variant (also known as c.869G>A), located in coding exon 6 of the ARHGEF9 gene, results from a G to A substitution at nucleotide position 869. The arginine at codon 290 is replaced by histidine, an amino acid with highly similar properties. This variant was shown to impair proper function of the ARHGEF9 protein (Papadopoulos T et al. J. Biol. Chem., 2015 Mar;290:8256-70; Long P et al. Front Mol Neurosci, 2015 Jan;8:83). Internal structural analysis indicates that this alteration is structurally deleterious (Ambry internal data; Xiang S et al. J. Mol. Biol., 2006 May;359:35-46). This amino acid position is highly conserved in available vertebrate species. In addition, this alteration is predicted to be deleterious by in silico analysis. Based on the majority of available evidence to date, this variant is likely to be pathogenic.

Literature cited by the submitters: PubMed 22612257 (cited by 3 submitters); PubMed 28589176 (cited by Labcorp Genetics (formerly Invitae), Labcorp); PubMed 25678704 (cited by 3 submitters); PubMed 30914922 (cited by Labcorp Genetics (formerly Invitae), Labcorp); PubMed 29130122 (cited by Labcorp Genetics (formerly Invitae), Labcorp); PubMed 16616186 (cited by Ambry Genetics); PubMed 25568878 (cited by Ambry Genetics); PubMed 26834553 (cited by Ambry Genetics); PubMed 28620718 (cited by Ambry Genetics).

NM_001353921.2(ARHGEF9):c.890G>A (p.Arg297His)

Gene: ARHGEF9 (Cdc42 guanine nucleotide exchange factor 9; minus strand). Cytogenetic location: Xq11.1.
Variant type: single nucleotide variant.
Coding change: c.890G>A on transcript NM_001353921.2 (MANE Select); coding-DNA position 890, G replaced by A.
Protein change: p.Arg297His; replaces arginine 297 with histidine.
Molecular consequence: missense variant.
Genome position (GRCh38, 1-based): chrX:63,674,093, C>T on the plus strand (G>A on the coding strand, the complement: ARHGEF9 is on the minus strand). VCF-style: chrX-63674093-C-T. GRCh37 (hg19) VCF-style: chrX-62893973-C-T.
Other names: c.710G>A, p.Arg237His (NM_001173479.2); c.563G>A, p.Arg188His (NM_001173480.2, NM_001369042.1); c.806G>A, p.Arg269His (NM_001330495.2, NM_001353927.2, NM_001369033.1 and 8 more transcripts); c.890G>A, p.Arg297His (NM_001353922.2); c.908G>A, p.Arg303His (NM_001353923.1); c.689G>A, p.Arg230His (NM_001353924.2, NM_001353926.2, NM_001369039.1 and 1 more transcripts); c.869G>A, p.Arg290His (NM_001353928.2, NM_001369030.1, NM_001369031.1 and 2 more transcripts); c.455G>A, p.Arg152His (NM_001369045.1); short protein forms R290H, R303H, R237H, R297H, R188H, R230H, R152H, R269H.
Identifiers: ClinVar variation 1764342 (VCV001764342.10), dbSNP rs2519728924, ClinGen allele CA413406031.
Genomic context (GRCh38, chrX:63,674,093, plus strand): 5'-CCTACCTCCCAGTCTAGGACAGAAGCCTGCCACTGAGCAATCTTGTCAATATTCTCTAAA[C>T]GTCGCTTGCGTTCGTTGATCTGCTGAGTCACATTTCTCATGACAGCCAAAGCAGCTGCCA-3'
Protein context (NP_001340850.1, residues 287-307): VTQQINERKR[Arg297His]LENIDKIAQW